The following is an entry in ClinVar:

ClinVar aggregate classification (germline): Uncertain significance (1 of 4 stars; one submission).

Submission:

GeneDx
Classification: Uncertain significance. Last evaluated: 2023-07-07. Review status: criteria provided, single submitter. Criteria: GeneDx Variant Classification Process June 2021. Collection method: clinical testing. Allele origin: germline. Affected: yes.
Comment: Not observed at significant frequency in large population cohorts (gnomAD); In silico analysis supports that this missense variant does not alter protein structure/function; Has not been previously published as pathogenic or benign to our knowledge

NM_016333.4(SRRM2):c.5885C>T (p.Thr1962Ile)

Gene: SRRM2 (serine/arginine repetitive matrix 2; plus strand). Cytogenetic location: 16p13.3.
Variant type: single nucleotide variant.
Coding change: c.5885C>T on transcript NM_016333.4 (MANE Select); coding-DNA position 5885, C replaced by T.
Protein change: p.Thr1962Ile; replaces threonine 1962 with isoleucine.
Molecular consequence: missense variant.
Genome position (GRCh38, 1-based): chr16:2,766,413, C>T. VCF-style: chr16-2766413-C-T. GRCh37 (hg19) VCF-style: chr16-2816414-C-T.
Other names: short protein forms T1962I.
Identifiers: ClinVar variation 3360545 (VCV003360545.1).